The following is an entry in ClinVar:

ClinVar aggregate classification (germline): Pathogenic (1 of 4 stars; one submission).

Conditions:
Duchenne muscular dystrophy (DMD). Also called: MUSCULAR DYSTROPHY, PSEUDOHYPERTROPHIC PROGRESSIVE, DUCHENNE TYPE; Duchenne Muscular Dystrophy (DMD). Identifiers: Orphanet 98896, MedGen C0013264, MONDO:0010679, OMIM 310200.

Submission:

Laboratory of Medical Genetics, National & Kapodistrian University of Athens
Classification: Pathogenic for Duchenne muscular dystrophy. Last evaluated: 2022-12-16. Review status: criteria provided, single submitter. Criteria: ACMG Guidelines, 2015. Collection method: clinical testing. Allele origin: germline. Affected: yes.
Comment: PVS1, PM2, PP5

NM_004006.3(DMD):c.5326_5333del (p.Ala1776fs)

Gene: DMD (dystrophin; minus strand). Cytogenetic location: Xp21.1.
Variant type: Deletion.
Coding change: c.5326_5333del on transcript NM_004006.3 (MANE Select); coding-DNA positions 5326 to 5333, 8 bases deleted (GCCTCCAT; older notation c.5326_5333delGCCTCCAT).
Protein change: p.Ala1776fs; shifts the reading frame from alanine 1776.
Molecular consequence: frameshift variant.
Genome position (GRCh38, 1-based): chrX:32,348,521-32,348,528, ATGGAGGC deleted on the plus strand (GCCTCCAT on the coding strand, the reverse complement: DMD is on the minus strand). VCF-style (leftmost placement, unchanged base first): chrX-32348520-AATGGAGGC-A. GRCh37 (hg19) VCF-style: chrX-32366637-AATGGAGGC-A.
Other names: c.5302_5309del, p.Ala1768fs (NM_000109.4); c.5314_5321del, p.Ala1772fs (NM_004009.3); c.4957_4964del, p.Ala1653fs (NM_004010.3); c.1303_1310del, p.Ala435fs (NM_004011.4); c.1294_1301del, p.Ala432fs (NM_004012.4); short protein forms A1653fs, A1768fs, A1772fs, A1776fs, A432fs, A435fs.
Identifiers: ClinVar variation 1806419 (VCV001806419.1), dbSNP rs2522063583, ClinGen allele CA2580100724.
Genomic context (GRCh38, chrX:32,348,520, plus strand): 5'-CTCCAGTGGTTCAAGCAATTTTTGTATATCTGAGTTAAACTGCTCCAATTCCTTCAAAGG[AATGGAGGC>A]CTAAAAAAAAAGATAGTGCTACTTTAAATCAAAATTACTTTTTATTAGAAACATAAACCA-3'